The following is an entry in ClinVar:

ClinVar aggregate classification (germline): Uncertain significance (1 of 4 stars; one submission).

Conditions:
Autosomal dominant limb-girdle muscular dystrophy type 1F (LGMDD2). Also called: MUSCULAR DYSTROPHY, LIMB-GIRDLE, AUTOSOMAL DOMINANT 2; Limb-girdle muscular dystrophy, type 1F. Identifiers: Orphanet 55595, MedGen C1842062, MONDO:0012034, OMIM 608423.

Allele frequency attached by ClinVar (database versions not stated): gnomAD exomes below 0.00001; TOPMed below 0.00001.
gnomAD v4.1: 2 of 1,613,956 alleles (0.00012%); highest among the groups gnomAD compares: Non-Finnish European, 0.000085%; no homozygotes.

Submission:

Labcorp Genetics (formerly Invitae), Labcorp
Classification: Uncertain significance for Autosomal dominant limb-girdle muscular dystrophy type 1F. Last evaluated: 2022-05-31. Review status: criteria provided, single submitter. Criteria: Invitae Variant Classification Sherloc (09022015). Collection method: clinical testing. Allele origin: germline.
Comment: This sequence change replaces histidine, which is basic and polar, with arginine, which is basic and polar, at codon 386 of the TNPO3 protein (p.His386Arg). This variant is present in population databases (no rsID available, gnomAD 0.0009%). This variant has not been reported in the literature in individuals affected with TNPO3-related conditions. Algorithms developed to predict the effect of missense changes on protein structure and function are either unavailable or do not agree on the potential impact of this missense change (SIFT: "Tolerated"; PolyPhen-2: "Possibly Damaging"; Align-GVGD: "Class C0"). In summary, the available evidence is currently insufficient to determine the role of this variant in disease. Therefore, it has been classified as a Variant of Uncertain Significance.

NM_012470.4(TNPO3):c.1157A>G (p.His386Arg)

Gene: TNPO3 (transportin 3; minus strand). Cytogenetic location: 7q32.1.
Variant type: single nucleotide variant.
Coding change: c.1157A>G on transcript NM_012470.4 (MANE Select); coding-DNA position 1157, A replaced by G.
Protein change: p.His386Arg; replaces histidine 386 with arginine.
Molecular consequence: missense variant. On other transcripts: non-coding transcript variant (17), intron variant (1).
Genome position (GRCh38, 1-based): chr7:128,997,390, T>C on the plus strand (A>G on the coding strand, the complement: TNPO3 is on the minus strand). VCF-style: chr7-128997390-T-C. GRCh37 (hg19) VCF-style: chr7-128637444-T-C.
Other names: c.1157A>G, p.His386Arg (NM_001191028.3, NM_001382216.1, NM_001382218.1 and 3 more transcripts); c.1238A>G, p.His413Arg (NM_001382217.1); c.1013A>G, p.His338Arg (NM_001382221.1); c.1011+3039A>G (NM_001382222.1); short protein forms H338R, H386R, H413R.
Identifiers: ClinVar variation 1966879 (VCV001966879.5), dbSNP rs1266978890, ClinGen allele CA369234377.